The following is an entry in ClinVar:

NM_000204.5(CFI):c.1384C>T (p.Gln462Ter)

Gene: CFI (complement factor I; minus strand). Cytogenetic location: 4q25.
Variant type: single nucleotide variant.
Coding change: c.1384C>T on transcript NM_000204.5 (MANE Select); coding-DNA position 1384, C replaced by T.
Protein change: p.Gln462Ter; replaces glutamine 462 with a stop codon.
Molecular consequence: nonsense. On other transcripts: non-coding transcript variant (2).
Genome position (GRCh38, 1-based): chr4:109,746,267, G>A on the plus strand (C>T on the coding strand, the complement: CFI is on the minus strand). VCF-style: chr4-109746267-G-A. GRCh37 (hg19) VCF-style: chr4-110667423-G-A.
Other names: p.Gln462*; c.1408C>T, p.Gln470Ter (NM_001318057.2, NM_001375278.1); c.1363C>T, p.Gln455Ter (NM_001331035.2, NM_001375280.1, NM_001375282.1); c.1384C>T, p.Gln462Ter (NM_001375279.1, NM_001375281.1); c.1327C>T, p.Gln443Ter (NM_001375283.1); c.775C>T, p.Gln259Ter (NM_001375284.1); short protein forms Q259*, Q443*, Q455*, Q462*, Q470*.
Identifiers: ClinVar variation 2683647 (VCV002683647.1), dbSNP rs2545375580, ClinGen allele CA357856641.
Genomic context (GRCh38, chr4:109,746,267, plus strand): 5'-CTGTAAAACATATACCTTTTTCTCGTCCCCAGCCAGAAACGATGCATGTATCATTAGGTT[G>A]GAATAGGTAAGGAGACCAGGGGACACAGGCAGGGATGGAACGAGGCAGCTCACAATCTTT-3'

ClinVar aggregate classification (germline): Likely pathogenic (1 of 4 stars; one submission).

Allele frequency attached by ClinVar (database versions not stated): gnomAD exomes below 0.00001.
gnomAD v4.1: 1 of 1,614,164 alleles (0.000062%); highest among the groups gnomAD compares: Non-Finnish European, 0.000085%; no homozygotes.

Submission:

Mayo Clinic Laboratories, Mayo Clinic
Classification: Likely pathogenic. Last evaluated: 2022-04-06. Review status: criteria provided, single submitter. Criteria: ACMG Guidelines, 2015. Collection method: clinical testing. Allele origin: germline. Observed: 1 variant allele.
Comment: PM2_supporting, PVS1